The following is an entry in ClinVar:

NM_003289.4(TPM2):c.55A>G (p.Ile19Val)

Gene: TPM2 (tropomyosin 2; minus strand). Cytogenetic location: 9p13.3.
Variant type: single nucleotide variant.
Coding change: c.55A>G on transcript NM_003289.4 (MANE Select); coding-DNA position 55, A replaced by G.
Protein change: p.Ile19Val; replaces isoleucine 19 with valine.
Molecular consequence: missense variant.
Genome position (GRCh38, 1-based): chr9:35,689,763, T>C on the plus strand (A>G on the coding strand, the complement: TPM2 is on the minus strand). VCF-style: chr9-35689763-T-C. GRCh37 (hg19) VCF-style: chr9-35689760-T-C.
Other names: c.55A>G, p.Ile19Val (NM_001301226.2, NM_001301227.2, NM_213674.1); short protein forms I19V.
Identifiers: ClinVar variation 4080574 (VCV004080574.2).

ClinVar aggregate classification (germline): Uncertain significance. Review status: criteria provided, multiple submitters, no conflicts (2 of 4 stars). 2 submissions from 2 submitters: Uncertain significance (2). Last evaluated 2025-06-20.

Conditions:
Arthrogryposis, distal, type 1A. Also called: ARTHROGRYPOSIS MULTIPLEX CONGENITA, DISTAL, TYPE I. Identifiers: Orphanet 1146, MedGen C6022280, MONDO:0007157, OMIM 108120.

gnomAD v4.1: 2 of 1,613,666 alleles (0.00012%); highest among the groups gnomAD compares: African/African-American, 0.0013%; no homozygotes.

Submissions (2):

Revvity Omics, Revvity
Classification: Uncertain significance. Last evaluated: 2025-06-20. Review status: criteria provided, single submitter. Criteria: ACMG Guidelines, 2015. Collection method: clinical testing. Allele origin: germline.

Labcorp Genetics (formerly Invitae), Labcorp
Classification: Uncertain significance for Arthrogryposis, distal, type 1A. Last evaluated: 2025-05-22. Review status: criteria provided, single submitter. Criteria: Invitae Variant Classification Sherloc (09022015). Collection method: clinical testing. Allele origin: germline.
Comment: This sequence change replaces isoleucine, which is neutral and non-polar, with valine, which is neutral and non-polar, at codon 19 of the TPM2 protein (p.Ile19Val). This variant is present in population databases (no rsID available, gnomAD 0.01%). This variant has not been reported in the literature in individuals affected with TPM2-related conditions. An algorithm developed to predict the effect of missense changes on protein structure and function (PolyPhen-2) suggests that this variant is likely to be disruptive. In summary, the available evidence is currently insufficient to determine the role of this variant in disease. Therefore, it has been classified as a Variant of Uncertain Significance.